The following is an entry in ClinVar:

NC_000012.12:g.40479450G>A

Gene: MUC19 (mucin 19, oligomeric (gene/pseudogene); plus strand). Cytogenetic location: 12q12.
Variant type: single nucleotide variant.
Genome position: GRCh38 VCF-style: chr12-40479450-G-A. GRCh37 (hg19) VCF-style: chr12-40873252-G-A.
Identifiers: ClinVar variation 2642865 (VCV002642865.24), dbSNP rs55755644, ClinGen allele CA6515770.

ClinVar aggregate classification (germline): Likely benign (1 of 4 stars; one submission).

Allele frequency attached by ClinVar (database versions not stated): 1000 Genomes Project 30x 0.00016; 1000 Genomes Project 0.00020; TOPMed 0.00089; gnomAD 0.00100.

Submission:

CeGaT Center for Human Genetics Tuebingen
Classification: Likely benign. Last evaluated: 2022-03-01. Review status: criteria provided, single submitter. Criteria: CeGaT Center For Human Genetics Tuebingen Variant Classification Criteria Version 2. Collection method: clinical testing. Allele origin: germline. Affected: yes. Observed: 1 variant allele.
Comment: MUC19: BP4, BP7